The following is an entry in ClinVar:

ClinVar aggregate classification (germline): Pathogenic (0 of 4 stars; one submission).

Conditions:
Niemann-Pick disease, type A. Also called: Infantile Neurovisceral ASMD (Niemann-Pick Disease Type A; NPD-A); SPHINGOMYELIN LIPIDOSIS; SPHINGOMYELINASE DEFICIENCY. Identifiers: Orphanet 77292, MedGen C0268242, MONDO:0009756, OMIM 257200. Disease mechanism: loss of function.

Submissions (2):

Laboratory of Metabolic Disorders, Peking University First Hospital
Classification: Pathogenic for Niemann-Pick disease, type A. Last evaluated: 2015-05-20. Review status: no assertion criteria provided. Collection method: research. Allele origin: inherited. Affected: yes. Observed: 1 variant allele.

Seelig Lab, University of Washington
No classification provided (evidence only). Review status: no classification provided. Collection method: in vitro. Allele origin: not applicable. Functional consequence: effect on translation. Not counted in ClinVar's aggregate classification.
ClinVar note: "not provided" was previously submitted as the classification for the variant. However, the classification appeared to be based only on an observation of functional data so it was converted to no classification on 2025-07-30.

Literature cited by the submitters: PubMed 26851525 (cited by Laboratory of Metabolic Disorders, Peking University First Hospital).

NM_000543.5(SMPD1):c.952G>A (p.Val318Met)

Gene: SMPD1 (sphingomyelin phosphodiesterase 1; plus strand). Cytogenetic location: 11p15.4.
Variant type: single nucleotide variant.
Coding change: c.952G>A on transcript NM_000543.5 (MANE Select); coding-DNA position 952, G replaced by A.
Protein change: p.Val318Met; replaces valine 318 with methionine.
Molecular consequence: missense variant. On other transcripts: 5 prime UTR variant (1), non-coding transcript variant (1).
Genome position (GRCh38, 1-based): chr11:6,392,017, G>A. VCF-style: chr11-6392017-G-A. GRCh37 (hg19) VCF-style: chr11-6413247-G-A.
Other names: c.949G>A, p.Val317Met (NM_001007593.3); c.952G>A, p.Val318Met (NM_001318087.2, NM_001365135.2); c.-10G>A (NM_001318088.2); short protein forms V317M, V318M.
Identifiers: ClinVar variation 225625 (VCV000225625.4), dbSNP rs875989837, ClinGen allele CA10576030.